The following is an entry in ClinVar:

ClinVar aggregate classification (germline): Uncertain significance (1 of 4 stars; one submission).

Conditions:
Intestinal hypomagnesemia 1. Also called: HYPOMAGNESEMIA, INTESTINAL, WITH SECONDARY HYPOCALCEMIA; HYPOMAGNESEMIC TETANY. Identifiers: Orphanet 30924, MedGen C1865974, MONDO:0011176, OMIM 602014.

Submission:

Rare Kidney Stone Consortium and the Mayo Clinic Hyperoxaluria Center, Mayo Clinic
Classification: Uncertain significance for Intestinal hypomagnesemia 1. Last evaluated: 2025-10-03. Review status: criteria provided, single submitter. Criteria: ACMG Guidelines, 2015. Collection method: research. Allele origin: germline. Observed: 2 variant alleles.
Comment: ACMG:PM1, PM2

Literature cited by the submitters: PubMed 40794449.

NM_017662.5(TRPM6):c.3836C>A (p.Pro1279His)

Gene: TRPM6 (transient receptor potential cation channel subfamily M member 6; minus strand). Cytogenetic location: 9q21.13.
Variant type: single nucleotide variant.
Coding change: c.3836C>A on transcript NM_017662.5 (MANE Select); coding-DNA position 3836, C replaced by A.
Protein change: p.Pro1279His; replaces proline 1279 with histidine.
Molecular consequence: missense variant.
Genome position (GRCh38, 1-based): chr9:74,762,835, G>T on the plus strand (C>A on the coding strand, the complement: TRPM6 is on the minus strand). VCF-style: chr9-74762835-G-T. GRCh37 (hg19) VCF-style: chr9-77377751-G-T.
Other names: c.3821C>A, p.Pro1274His (NM_001177310.2, NM_001177311.2); short protein forms P1274H, P1279H.
Identifiers: ClinVar variation 4526835 (VCV004526835.1).